The following is an entry in ClinVar:

NM_001128178.3(NPHP1):c.1166G>C (p.Arg389Pro)

Gene: NPHP1 (nephrocystin 1; minus strand). Cytogenetic location: 2q13.
Variant type: single nucleotide variant.
Coding change: c.1166G>C on transcript NM_001128178.3 (MANE Select); coding-DNA position 1166, G replaced by C.
Protein change: p.Arg389Pro; replaces arginine 389 with proline.
Molecular consequence: missense variant.
Genome position (GRCh38, 1-based): chr2:110,148,019, C>G on the plus strand (G>C on the coding strand, the complement: NPHP1 is on the minus strand). VCF-style: chr2-110148019-C-G. GRCh37 (hg19) VCF-style: chr2-110905596-C-G.
Other names: c.1334G>C, p.Arg445Pro (NM_000272.5); c.977G>C, p.Arg326Pro (NM_001128179.3); c.1163G>C, p.Arg388Pro (NM_001374256.1); c.1166G>C, p.Arg389Pro (NM_001374257.1); c.1331G>C, p.Arg444Pro (NM_207181.4); short protein forms R388P, R389P, R445P, R326P, R444P.
Identifiers: ClinVar variation 968146 (VCV000968146.9), dbSNP rs140979636, ClinGen allele CA348088007.

ClinVar aggregate classification (germline): Uncertain significance. Review status: criteria provided, single submitter (1 of 4 stars). 2 submissions from 2 submitters: Uncertain significance (1). 1 of the submissions does not count toward it. Last evaluated 2025-08-21.

Conditions:
Nephronophthisis. Also called: Juvenile Nephronophthisis. Identifiers: Orphanet 655, MedGen C0687120, MONDO:0019005, HP:0000090.
NPHP1-related disorder. Also called: NPHP1-related disorders; NPHP1-related condition.

Allele frequency attached by ClinVar (database versions not stated): TOPMed 0.00002.

Submissions (2):

Labcorp Genetics (formerly Invitae), Labcorp
Classification: Uncertain significance for Nephronophthisis. Last evaluated: 2025-08-21. Review status: criteria provided, single submitter. Criteria: Invitae Variant Classification Sherloc (09022015). Collection method: clinical testing. Allele origin: germline.
Comment: This sequence change replaces arginine, which is basic and polar, with proline, which is neutral and non-polar, at codon 445 of the NPHP1 protein (p.Arg445Pro). This variant is not present in population databases (gnomAD no frequency). This variant has not been reported in the literature in individuals affected with NPHP1-related conditions. ClinVar contains an entry for this variant (Variation ID: 968146). Invitae Evidence Modeling of protein sequence and biophysical properties (such as structural, functional, and spatial information, amino acid conservation, physicochemical variation, residue mobility, and thermodynamic stability) indicates that this missense variant is not expected to disrupt NPHP1 protein function with a negative predictive value of 80%. In summary, the available evidence is currently insufficient to determine the role of this variant in disease. Therefore, it has been classified as a Variant of Uncertain Significance.

PreventionGenetics, part of Exact Sciences
Classification: Uncertain significance for NPHP1-related condition. Last evaluated: 2024-06-12. Review status: no assertion criteria provided. Collection method: clinical testing. Allele origin: germline. Not counted in ClinVar's aggregate classification.
Comment: The NPHP1 c.1334G>C variant is predicted to result in the amino acid substitution p.Arg445Pro. To our knowledge, this variant has not been reported in the literature or in a large population database, indicating this variant is rare. At this time, the clinical significance of this variant is uncertain due to the absence of conclusive functional and genetic evidence.